The following is an entry in ClinVar:

NM_000521.4(HEXB):c.192del (p.Lys64_Met65insTer)

Gene: HEXB (hexosaminidase subunit beta; plus strand). Cytogenetic location: 5q13.3.
Variant type: Deletion.
Coding change: c.192del on transcript NM_000521.4 (MANE Select); coding-DNA position 192, one base deleted (G; older notation c.192delG).
Protein change: p.Lys64_Met65insTer.
Molecular consequence: frameshift variant. On other transcripts: intron variant (1).
Genome position (GRCh38, 1-based): chr5:74,685,452, G deleted. VCF-style (leftmost placement, unchanged base first): chr5-74685451-AG-A. GRCh37 (hg19) VCF-style: chr5-73981276-AG-A.
Other names: c.-376-3876del (NM_001292004.2).
Identifiers: ClinVar variation 4727439 (VCV004727439.1).

ClinVar aggregate classification (germline): Pathogenic (1 of 4 stars; one submission).

Conditions:
Sandhoff disease. Also called: GM2-GANGLIOSIDOSIS, TYPE II; HEXOSAMINIDASES A AND B DEFICIENCY; Beta-hexosaminidase-beta-subunit deficiency; GM2 gangliosidosis, type 2; Total hexosaminidase deficiency; Sandhoff-Jatzkewitz-Pilz disease. Identifiers: Orphanet 796, MedGen C0036161, MONDO:0010006, OMIM 268800.

Submission:

Labcorp Genetics (formerly Invitae), Labcorp
Classification: Pathogenic for Sandhoff disease. Last evaluated: 2025-09-19. Review status: criteria provided, single submitter. Criteria: Invitae Variant Classification Sherloc (09022015). Collection method: clinical testing. Allele origin: germline.
Comment: This sequence change creates a premature translational stop signal (p.Met65*) in the HEXB gene. It is expected to result in an absent or disrupted protein product. Loss-of-function variants in HEXB are known to be pathogenic (PMID: 7550345, 18758829). This variant is not present in population databases (gnomAD no frequency). This variant has not been reported in the literature in individuals affected with HEXB-related conditions. For these reasons, this variant has been classified as Pathogenic.

Literature cited by the submitters: PubMed 7550345; PubMed 18758829.